The following is an entry in ClinVar:

NM_001875.5(CPS1):c.2419G>T (p.Glu807Ter)

Gene: CPS1 (carbamoyl-phosphate synthase 1; plus strand). Cytogenetic location: 2q34.
Variant type: single nucleotide variant.
Coding change: c.2419G>T on transcript NM_001875.5 (MANE Select); coding-DNA position 2419, G replaced by T.
Protein change: p.Glu807Ter; replaces glutamic acid 807 with a stop codon.
Molecular consequence: nonsense. On other transcripts: non-coding transcript variant (2).
Genome position (GRCh38, 1-based): chr2:210,612,144, G>T. VCF-style: chr2-210612144-G-T. GRCh37 (hg19) VCF-style: chr2-211476868-G-T.
Other names: c.2419G>T, p.Glu807Ter (NM_001122633.3, NM_001369257.1); c.2452G>T, p.Glu818Ter (NM_001369256.1); short protein forms E807*, E818*.
Identifiers: ClinVar variation 983624 (VCV000983624.3), dbSNP rs1699148940, ClinGen allele CA350440227.

ClinVar aggregate classification (germline): Likely pathogenic (1 of 4 stars; one submission).

Conditions:
Congenital hyperammonemia, type I. Also called: Carbamoyl phosphate synthetase I deficiency disease; Carbamoyl phosphate synthetase 1 deficiency; Hyperammonemia due to carbamoyl phosphate synthetase 1 deficiency; CPS 1 deficiency; Carbamyl phosphate synthetase (CPS) deficiency; Carbamoyl-phosphate synthase I deficiency. Identifiers: Orphanet 147, MedGen C4082171, MONDO:0009376, OMIM 237300.

Submission:

Myriad Genetics, Inc.
Classification: Likely pathogenic for Congenital hyperammonemia, type I. Last evaluated: 2019-02-28. Review status: criteria provided, single submitter. Criteria: Myriad Women's Health Autosomal Recessive and X-Linked Classification Criteria (2019). Collection method: clinical testing. Allele origin: unknown.
Comment: NM_001875.4(CPS1):c.2419G>T(E807*) is expected to be pathogenic in the context of carbamoylphosphate synthetase I deficiency. This variant is predicted to lead to an abnormal or absent protein product due to the creation of a premature termination codon in CPS1, a gene where loss-of-function variants are known to be pathogenic. Please note: this variant was assessed in the context of healthy population screening.